The following is an entry in ClinVar:

NM_000038.6(APC):c.894C>T (p.His298=)

Gene: APC (APC regulator of Wnt signaling pathway; plus strand). Cytogenetic location: 5q22.2.
Variant type: single nucleotide variant.
Coding change: c.894C>T on transcript NM_000038.6 (MANE Select); coding-DNA position 894, C replaced by T.
Protein change: p.His298=; no amino-acid change (histidine 298 retained).
Molecular consequence: synonymous variant.
Genome position (GRCh38, 1-based): chr5:112,815,554, C>T. VCF-style: chr5-112815554-C-T. GRCh37 (hg19) VCF-style: chr5-112151251-C-T.
Other names: c.894C>T, p.His298= (NM_001127510.3, NM_001354895.2, NM_001354896.2 and 1 more transcripts); c.840C>T, p.His280= (NM_001127511.3); c.924C>T, p.His308= (NM_001354897.2, NM_001354902.2); c.819C>T, p.His273= (NM_001354898.2, NM_001354904.2); c.810C>T, p.His270= (NM_001354899.2); c.717C>T, p.His239= (NM_001354900.2, NM_001354901.2, NM_001354905.2); c.45C>T, p.His15= (NM_001354906.2).
Identifiers: ClinVar variation 389268 (VCV000389268.22), dbSNP rs143341972, ClinGen allele CA051055.

ClinVar aggregate classification (germline): Benign/Likely benign. Review status: criteria provided, multiple submitters, no conflicts (2 of 4 stars). 6 submissions from 6 submitters: Benign (1); Likely benign (5). Last evaluated 2026-01-19.

Conditions:
Hereditary cancer-predisposing syndrome. Also called: Hereditary Cancer Syndrome; Hereditary neoplastic syndrome; Neoplastic Syndromes, Hereditary; Tumor predisposition. Identifiers: Orphanet 140162, MedGen C0027672, MeSH D009386, MONDO:0015356.
Classic or attenuated familial adenomatous polyposis. Identifiers: MedGen CN372698, MONDO:0021057.
Familial adenomatous polyposis 1 (FAP1). Also called: FAMILIAL ADENOMATOUS POLYPOSIS 1, ATTENUATED; POLYPOSIS, ADENOMATOUS INTESTINAL. Identifiers: MedGen C2713442, MONDO:0021056, OMIM 175100. Disease mechanism: loss of function.

Allele frequency attached by ClinVar (database versions not stated): ExAC 0.00001; TOPMed 0.00008; gnomAD 0.00009 and 0.00010.
gnomAD v4.1: 18 of 1,612,188 alleles (0.0011%); highest among the groups gnomAD compares: African/African-American, 0.021%; no homozygotes.

Submissions (6):

Labcorp Genetics (formerly Invitae), Labcorp
Classification: Likely benign for Familial adenomatous polyposis 1. Last evaluated: 2026-01-19. Review status: criteria provided, single submitter. Criteria: Invitae Variant Classification Sherloc (09022015). Collection method: clinical testing. Allele origin: germline.

Myriad Genetics, Inc.
Classification: Benign for Familial adenomatous polyposis 1. Last evaluated: 2024-02-27. Review status: criteria provided, single submitter. Criteria: Myriad Autosomal Dominant, Autosomal Recessive and X-Linked Classification Criteria (2023). Collection method: clinical testing. Allele origin: unknown.
Comment: This variant is considered benign. This variant is a silent/synonymous amino acid change and it is not expected to impact splicing.

All of Us Research Program, National Institutes of Health
Classification: Likely benign for Classic or attenuated familial adenomatous polyposis. Last evaluated: 2023-09-17. Review status: criteria provided, single submitter. Criteria: ACMG Guidelines, 2015. Collection method: clinical testing. Allele origin: germline. Inheritance: Autosomal dominant inheritance. Observed: 2 variant alleles, 2 heterozygotes.
Comment: This study involves interpretation of variants in research participants for the purpose of population health screening. Participant phenotype was not available at the time of variant classification. Additional details can be found in publication PMID: 35346344, PMCID: PMC8962531

GeneDx
Classification: Likely benign. Last evaluated: 2019-10-22. Review status: criteria provided, single submitter. Criteria: GeneDx Variant Classification Process June 2021. Collection method: clinical testing. Allele origin: germline. Affected: yes.

Color Diagnostics, LLC DBA Color Health
Classification: Likely benign for Hereditary cancer-predisposing syndrome. Last evaluated: 2018-10-10. Review status: criteria provided, single submitter. Criteria: ACMG Guidelines, 2015. Collection method: clinical testing. Allele origin: germline.

Ambry Genetics
Classification: Likely benign for Hereditary cancer-predisposing syndrome. Last evaluated: 2017-05-02. Review status: criteria provided, single submitter. Criteria: Ambry Variant Classification Scheme 2023. Collection method: clinical testing. Allele origin: germline.